The following is an entry in ClinVar:

NM_001018005.2(TPM1):c.240+5G>T

Gene: TPM1 (tropomyosin 1; plus strand). Cytogenetic location: 15q22.2.
Variant type: single nucleotide variant.
Coding change: c.240+5G>T on transcript NM_001018005.2 (MANE Select); 5 bases into the intron after coding-DNA position 240, G replaced by T.
Molecular consequence: intron variant.
Genome position (GRCh38, 1-based): chr15:63,044,157, G>T. VCF-style: chr15-63044157-G-T. GRCh37 (hg19) VCF-style: chr15-63336356-G-T.
Other names: c.366+5G>T (NM_001365778.1, NM_001407323.1, NM_001407322.1 and 1 more transcripts); c.240+326G>T (NM_001407336.1, NM_001018020.2, NM_001407338.1 and 7 more transcripts); c.240+5G>T (NM_001407326.1, NM_001407337.1, NM_001018006.2 and 10 more transcripts).
Identifiers: ClinVar variation 4713927 (VCV004713927.1).

ClinVar aggregate classification (germline): Uncertain significance (1 of 4 stars; one submission).

Conditions:
Hypertrophic cardiomyopathy. Also called: HYPERTROPHIC MYOCARDIOPATHY. Identifiers: Orphanet 217569, MedGen C0007194, MeSH D002312, MONDO:0005045, HP:0001639.

Submission:

Labcorp Genetics (formerly Invitae), Labcorp
Classification: Uncertain significance for Hypertrophic cardiomyopathy. Last evaluated: 2025-02-26. Review status: criteria provided, single submitter. Criteria: Invitae Variant Classification Sherloc (09022015). Collection method: clinical testing. Allele origin: germline.
Comment: This sequence change falls in intron 2 of the TPM1 gene. It does not directly change the encoded amino acid sequence of the TPM1 protein. It affects a nucleotide within the consensus splice site. This variant is not present in population databases (gnomAD no frequency). This variant has not been reported in the literature in individuals affected with TPM1-related conditions. Variants that disrupt the consensus splice site are a relatively common cause of aberrant splicing (PMID: 17576681, 9536098). Algorithms developed to predict the effect of sequence changes on RNA splicing suggest that this variant may disrupt the consensus splice site. In summary, the available evidence is currently insufficient to determine the role of this variant in disease. Therefore, it has been classified as a Variant of Uncertain Significance.

Literature cited by the submitters: PubMed 17576681; PubMed 9536098.